The following is an entry in ClinVar:

NM_000260.4(MYO7A):c.1123C>G (p.Leu375Val)

Gene: MYO7A (myosin VIIA; plus strand). Cytogenetic location: 11q13.5.
Variant type: single nucleotide variant.
Coding change: c.1123C>G on transcript NM_000260.4 (MANE Select); coding-DNA position 1123, C replaced by G.
Protein change: p.Leu375Val; replaces leucine 375 with valine.
Molecular consequence: missense variant.
Genome position (GRCh38, 1-based): chr11:77,160,205, C>G. VCF-style: chr11-77160205-C-G. GRCh37 (hg19) VCF-style: chr11-76871251-C-G.
Other names: c.1123C>G, p.Leu375Val (NM_001127180.2); c.1090C>G, p.Leu364Val (NM_001369365.1); short protein forms L375V, L364V.
Identifiers: ClinVar variation 164666 (VCV000164666.6), dbSNP rs782728522, ClinGen allele CA177370.
Genomic context (GRCh38, chr11:77,160,205, plus strand): 5'-GGGTGTTGCCTGTACCAGGTGAACCCCCCAGACCTGATGAGCTGCCTGACTAGCCGCACC[C>G]TCATCACCCGCGGGGAGACGGTGTCCACCCCACTGAGCAGGGAACAGGCACTGGACGTGC-3'
Protein context (NP_000251.3, residues 365-385): DLMSCLTSRT[Leu375Val]ITRGETVSTP

ClinVar aggregate classification (germline): Uncertain significance. Review status: criteria provided, multiple submitters, no conflicts (2 of 4 stars). 3 submissions from 3 submitters: Uncertain significance (2). 1 of the submissions does not count toward it. Last evaluated 2026-03-17.

Conditions:
Autosomal recessive nonsyndromic hearing loss 2. Also called: DEAFNESS, AUTOSOMAL RECESSIVE 2; NEUROSENSORY NONSYNDROMIC RECESSIVE DEAFNESS 2. Identifiers: Orphanet 90636, MedGen C1838701, MONDO:0010807, OMIM 600060.
Usher syndrome type 1 (USH1). Also called: RETINITIS PIGMENTOSA AND CONGENITAL DEAFNESS. Identifiers: Orphanet 231169, Orphanet 886, MedGen C1568247, MONDO:0010168, OMIM 276900.
MYO7A-related disorder. Also called: MYO7A-related disorders.

Submissions (3):

PreventionGenetics, part of Exact Sciences
Classification: Uncertain significance for MYO7A-related condition. Last evaluated: 2026-03-17. Review status: criteria provided, single submitter. Criteria: ACMG Guidelines, 2015. Collection method: clinical testing. Allele origin: germline.
Comment: The MYO7A c.1123C>G variant is predicted to result in the amino acid substitution p.Leu375Val. To our knowledge, this variant has not been reported in the literature. This variant is reported in 0.024% of alleles in individuals of South Asian descent in gnomAD. At this time, the clinical significance of this variant is uncertain due to the absence of conclusive functional and genetic evidence.

Laboratory for Molecular Medicine, Mass General Brigham Personalized Medicine
Classification: Uncertain significance. Last evaluated: 2013-12-05. Review status: criteria provided, single submitter. Criteria: LMM Criteria. Collection method: clinical testing. Allele origin: germline. Observed: 1 variant allele.
Comment: The Leu375Val variant in MYO7A has not been previously reported in individuals w ith hearing loss. Sequencing data from large population studies is insufficient to assess variant frequency. Computational analyses (biochemical amino acid prop erties, conservation, AlignGVGD, PolyPhen2, and SIFT) do not provide strong supp ort for or against an impact to the protein. In summary, additional information is needed to determine the clinical significance of this variant.

Counsyl
Classification: Uncertain significance for Usher syndrome type 1; Autosomal recessive nonsyndromic hearing loss 2. Last evaluated: 2017-09-22. Review status: no assertion criteria provided. Collection method: clinical testing. Allele origin: unknown. Not counted in ClinVar's aggregate classification.